The following is an entry in ClinVar:

NM_000170.3(GLDC):c.437C>A (p.Thr146Lys)

Gene: GLDC (glycine decarboxylase; minus strand). Cytogenetic location: 9p24.1.
Variant type: single nucleotide variant.
Coding change: c.437C>A on transcript NM_000170.3 (MANE Select); coding-DNA position 437, C replaced by A.
Protein change: p.Thr146Lys; replaces threonine 146 with lysine.
Molecular consequence: missense variant.
Genome position (GRCh38, 1-based): chr9:6,620,217, G>T on the plus strand (C>A on the coding strand, the complement: GLDC is on the minus strand). VCF-style: chr9-6620217-G-T. GRCh37 (hg19) VCF-style: chr9-6620217-G-T.
Other names: short protein forms T146K.
Identifiers: ClinVar variation 495700 (VCV000495700.14), dbSNP rs376578742, ClinGen allele CA4981155.

ClinVar aggregate classification (germline): Conflicting classifications of pathogenicity. Review status: criteria provided, conflicting classifications (1 of 4 stars). 5 submissions from 5 submitters: Pathogenic (1); Likely pathogenic (3); Uncertain significance (1). Last evaluated 2025-09-05.

Conditions:
Glycine encephalopathy. Also called: Nonketotic hyperglycinemia; Non-ketotic hyperglycinemia. Identifiers: Orphanet 407, MedGen C0751748, MONDO:0011612, HP:0008288.
GLDC-related disorders.
Glycine encephalopathy 1 (GCE1). Identifiers: MedGen CN376801, MONDO:0958179, OMIM 605899.

Allele frequency attached by ClinVar (database versions not stated): TOPMed 0.00001.
gnomAD v4.1: 3 of 1,613,496 alleles (0.00019%); highest among the groups gnomAD compares: Non-Finnish European, 0.00025%; no homozygotes.

Submissions (5):

Natera, Inc.
Classification: Likely pathogenic for Non-ketotic hyperglycinemia. Last evaluated: 2025-09-05. Review status: criteria provided, single submitter. Criteria: Natera Variant Classification Schema (03/2026). Collection method: clinical testing. Allele origin: germline.
Comment: The c.437C>A variant in GLDC is a missense variant predicted to cause substitution of threonine to lysine at amino acid 146. This variant is rare in the general population with a frequency below the threshold expected for the associated phenotype(s). This variant has been observed in one or more individuals affected with the associated recessive disease, as either homozygous or compound heterozygous with a second variant (PMID: 28244183, 27362913). Functional studies show that this variant may disrupt protein function (PMID: 28244183). Computational prediction algorithms indicate this variant is likely to affect gene or protein function. Given the available evidence, this variant is classified as Likely Pathogenic.

Blueprint Genetics
Classification: Likely pathogenic for GLDC-related disorders. Last evaluated: 2023-08-23. Review status: criteria provided, single submitter. Criteria: ACMG Guidelines, 2015. Collection method: clinical testing. Allele origin: germline. Affected: yes. Observed: 2 variant alleles.

Labcorp Genetics (formerly Invitae), Labcorp
Classification: Pathogenic for Glycine encephalopathy. Last evaluated: 2023-06-04. Review status: criteria provided, single submitter. Criteria: Invitae Variant Classification Sherloc (09022015). Collection method: clinical testing. Allele origin: germline.
Comment: This missense change has been observed in individual(s) with glycine encephalopathy (PMID: 27362913, 28244183). In at least one individual the data is consistent with being in trans (on the opposite chromosome) from a pathogenic variant. For these reasons, this variant has been classified as Pathogenic. Experimental studies have shown that this missense change affects GLDC function (PMID: 28244183). Advanced modeling of protein sequence and biophysical properties (such as structural, functional, and spatial information, amino acid conservation, physicochemical variation, residue mobility, and thermodynamic stability) performed at Invitae indicates that this missense variant is expected to disrupt GLDC protein function. ClinVar contains an entry for this variant (Variation ID: 495700). This variant is present in population databases (rs376578742, gnomAD 0.0009%). This sequence change replaces threonine, which is neutral and polar, with lysine, which is basic and polar, at codon 146 of the GLDC protein (p.Thr146Lys).

Department of Pathology and Laboratory Medicine, Sinai Health System
Classification: Uncertain significance for Glycine encephalopathy 1. Last evaluated: 2023-02-08. Review status: criteria provided, single submitter. Criteria: ACMG Guidelines, 2015. Collection method: research. Allele origin: germline.

Women's Health and Genetics/Laboratory Corporation of America, LabCorp
Classification: Likely pathogenic for Glycine encephalopathy. Last evaluated: 2022-03-09. Review status: criteria provided, single submitter. Criteria: LabCorp Variant Classification Summary - May 2015. Collection method: clinical testing. Allele origin: germline.
Comment: Variant summary: GLDC c.437C>A (p.Thr146Lys) results in a non-conservative amino acid change in the encoded protein sequence. Four of five in-silico tools predict a damaging effect of the variant on protein function. The variant was absent in 251484 control chromosomes. c.437C>A has been reported in the literature as a compound heterozygous genotype in at-least two individuals affected with Glycine Encephalopathy (Non-Ketotic Hyperglycinemia) (example, Bravo-Alonso_2017, Coughlin_2017) and continues to be cited by others (example, Farris_2020). These data indicate that the variant may be associated with disease. At least one publication reports experimental evidence evaluating an impact on protein function. The most pronounced variant effect results in <1% of normal GCS-P protein activity in COS7 cells (example, Bravo-Alonso_2017). One clinical diagnostic laboratory has submitted clinical-significance assessments for this variant to ClinVar after 2014 and classified the variant as pathogenic. Based on the evidence outlined above, the variant was classified as likely pathogenic.

Literature cited by the submitters: PubMed 28244183 (cited by 3 submitters); PubMed 27362913 (cited by 3 submitters); PubMed 32421718 (cited by Women's Health and Genetics/Laboratory Corporation of America, LabCorp).